The following is an entry in ClinVar:

NM_013275.6(ANKRD11):c.7133A>C (p.Asp2378Ala)

Gene: ANKRD11 (ankyrin repeat domain 11; minus strand). Cytogenetic location: 16q24.3.
Variant type: single nucleotide variant.
Coding change: c.7133A>C on transcript NM_013275.6 (MANE Select); coding-DNA position 7133, A replaced by C.
Protein change: p.Asp2378Ala; replaces aspartic acid 2378 with alanine.
Molecular consequence: missense variant.
Genome position (GRCh38, 1-based): chr16:89,279,409, T>G on the plus strand (A>C on the coding strand, the complement: ANKRD11 is on the minus strand). VCF-style: chr16-89279409-T-G. GRCh37 (hg19) VCF-style: chr16-89345817-T-G.
Other names: c.7133A>C, p.Asp2378Ala (NM_001256182.2, NM_001256183.2); short protein forms D2378A.
Identifiers: ClinVar variation 4578104 (VCV004578104.3).
Genomic context (GRCh38, chr16:89,279,409, plus strand): 5'-TGCTGCAGCTGCTGGGTGGAGCGCTGAAAGCGGCGTTTGCGCGGATGCTGGGCCTGGGCG[T>G]CGTCGTCCTCGGAGCCGCGGGCCTTGGCCCTGGTGACCGGGGCAGGGGTGGGGGCGCACT-3'
Protein context (NP_037407.4, residues 2368-2388): RAKARGSEDD[Asp2378Ala]AQAQHPRKRR

ClinVar aggregate classification (germline): Uncertain significance. Review status: criteria provided, multiple submitters, no conflicts (2 of 4 stars). 2 submissions from 2 submitters: Uncertain significance (2). Last evaluated 2025-09-26.

Conditions:
Inborn genetic diseases. Identifiers: MedGen C0950123, MeSH D030342.

gnomAD v4.1: 36 of 1,537,694 alleles (0.0023%); highest among the groups gnomAD compares: South Asian, 0.0035%; no homozygotes.

Submissions (2):

Ambry Genetics
Classification: Uncertain significance for Inborn genetic diseases. Last evaluated: 2025-09-26. Review status: criteria provided, single submitter. Criteria: Ambry Variant Classification Scheme 2023. Collection method: clinical testing. Allele origin: germline.

Dasa
Classification: Uncertain significance. Last evaluated: 2025-08-29. Review status: criteria provided, single submitter. Criteria: DASA Assertion Criteria. Collection method: clinical testing. Allele origin: germline.
Comment: NM_013275.6(ANKRD11):c.7133A>C (p.Asp2378Ala) is a missense variant that results in the substitution of aspartic acid with alanine. This variant is rare in population databases. Computational prediction algorithms are consistent with a benign effect. The currently available literature and clinical evidence are not sufficient to establish a definitive association between this variant and the reported condition. Therefore, this variant is classified as a variant of uncertain significance.